The following is an entry in ClinVar:

NM_001355436.2(SPTB):c.5217C>T (p.Thr1739=)

Gene: SPTB (spectrin beta, erythrocytic; minus strand). Cytogenetic location: 14q23.3.
Variant type: single nucleotide variant.
Coding change: c.5217C>T on transcript NM_001355436.2 (MANE Select); coding-DNA position 5217, C replaced by T.
Protein change: p.Thr1739=; no amino-acid change (threonine 1739 retained).
Molecular consequence: synonymous variant.
Genome position (GRCh38, 1-based): chr14:64,772,916, G>A on the plus strand (C>T on the coding strand, the complement: SPTB is on the minus strand). VCF-style: chr14-64772916-G-A. GRCh37 (hg19) VCF-style: chr14-65239634-G-A.
Other names: p.Thr1739=; c.5217C>T, p.Thr1739= (NM_001024858.4, NM_001355437.2).
Identifiers: ClinVar variation 4683875 (VCV004683875.1).

ClinVar aggregate classification (germline): Likely benign (1 of 4 stars; one submission).

gnomAD v4.1: 31 of 1,603,924 alleles (0.0019%); highest among the groups gnomAD compares: African/African-American, 0.012%; no homozygotes.

Submission:

Mayo Clinic Laboratories, Mayo Clinic
Classification: Likely benign. Last evaluated: 2025-11-29. Review status: criteria provided, single submitter. Criteria: ACMG Guidelines, 2015. Collection method: clinical testing. Allele origin: germline. Observed: 2 variant alleles.
Comment: BP4, BP7, PM2_supporting